The following is an entry in ClinVar:

NM_016222.4(DDX41):c.853C>G (p.Gln285Glu)

Gene: DDX41 (DEAD-box helicase 41; minus strand). Cytogenetic location: 5q35.3.
Variant type: single nucleotide variant.
Coding change: c.853C>G on transcript NM_016222.4 (MANE Select); coding-DNA position 853, C replaced by G.
Protein change: p.Gln285Glu; replaces glutamine 285 with glutamic acid.
Molecular consequence: missense variant.
Genome position (GRCh38, 1-based): chr5:177,514,783, G>C on the plus strand (C>G on the coding strand, the complement: DDX41 is on the minus strand). VCF-style: chr5-177514783-G-C. GRCh37 (hg19) VCF-style: chr5-176941784-G-C.
Other names: c.475C>G, p.Gln159Glu (NM_001321732.2, NM_001321830.2); c.853C>G (NM_016222.2); short protein forms Q159E, Q285E.
Identifiers: ClinVar variation 2674782 (VCV002674782.2), dbSNP rs2532083766, ClinGen allele CA362374843.

ClinVar aggregate classification (germline): Uncertain significance. Review status: criteria provided, multiple submitters, no conflicts (2 of 4 stars). 2 submissions from 2 submitters: Uncertain significance (2). Last evaluated 2025-04-16.

Conditions:
Inborn genetic diseases. Identifiers: MedGen C0950123, MeSH D030342.
DDX41-related hematologic malignancy predisposition syndrome. Also called: Myeloproliferative/lymphoproliferative neoplasms, familial (multiple types), susceptibility to; DDX41-Associated Familial Myelodysplastic Syndrome and Acute Myeloid Leukemia. Identifiers: Orphanet 488647, MedGen C4225174, MONDO:0014809, OMIM 616871.

Submissions (2):

Ambry Genetics
Classification: Uncertain significance for Inborn genetic diseases. Last evaluated: 2025-04-16. Review status: criteria provided, single submitter. Criteria: Ambry Variant Classification Scheme 2023. Collection method: clinical testing. Allele origin: germline.
Comment: The p.Q285E variant (also known as c.853C>G), located in coding exon 9 of the DDX41 gene, results from a C to G substitution at nucleotide position 853. The glutamine at codon 285 is replaced by glutamic acid, an amino acid with highly similar properties. This amino acid position is conserved. In addition, this alteration is predicted to be tolerated by in silico analysis. Based on the available evidence, the clinical significance of this variant remains unclear.

Baylor Genetics
Classification: Uncertain significance for DDX41-related hematologic malignancy predisposition syndrome. Last evaluated: 2023-07-09. Review status: criteria provided, single submitter. Criteria: ACMG Guidelines, 2015. Collection method: clinical testing. Allele origin: unknown.